The following is an entry in ClinVar:

ClinVar aggregate classification (germline): Pathogenic (1 of 4 stars; one submission).

Conditions:
Syndromic microphthalmia type 5 (MCOPS5). Also called: RETINAL DYSTROPHY, EARLY-ONSET, WITH PITUITARY DYSFUNCTION; RETINAL DYSTROPHY, EARLY-ONSET, WITHOUT PITUITARY DYSFUNCTION. Identifiers: Orphanet 178364, MedGen C1864690, MONDO:0012413, OMIM 610125.

Submission:

Baylor Genetics
Classification: Pathogenic for Syndromic microphthalmia type 5. Last evaluated: 2017-09-01. Review status: criteria provided, single submitter. Criteria: ACMG Guidelines, 2015. Collection method: clinical testing. Allele origin: de novo. Inheritance: Autosomal dominant inheritance. Affected: yes.

Literature cited by the submitters: PubMed 25326635.

NM_021728.4(OTX2):c.673del (p.Ala225fs)

Gene: OTX2 (orthodenticle homeobox 2; minus strand). Cytogenetic location: 14q22.3.
Variant type: Deletion.
Coding change: c.673del on transcript NM_021728.4 (MANE Select); coding-DNA position 673, one base deleted (G; older notation c.673delG).
Protein change: p.Ala225fs; shifts the reading frame from alanine 225.
Molecular consequence: frameshift variant. On other transcripts: non-coding transcript variant (2).
Genome position (GRCh38, 1-based): chr14:56,801,956, C deleted on the plus strand (G on the coding strand, the reverse complement: OTX2 is on the minus strand); the first of 4 consecutive C bases (chr14:56,801,956-56,801,959); deleting any one gives the same sequence. VCF-style (leftmost placement, unchanged base first): chr14-56801955-GC-G. GRCh37 (hg19) VCF-style: chr14-57268673-GC-G.
Other names: c.649del, p.Ala217fs (NM_001270523.2, NM_001270524.2, NM_172337.3); c.673del, p.Ala225fs (NM_001270525.2); short protein forms A217fs, A225fs.
Identifiers: ClinVar variation 561071 (VCV000561071.2), dbSNP rs1566622571, ClinGen allele CA658824660.